The following is an entry in ClinVar:

NM_001276270.2(MBD4):c.1183+5G>C

Gene: MBD4 (methyl-CpG binding domain 4, DNA glycosylase; minus strand). Cytogenetic location: 3q21.3.
Variant type: single nucleotide variant.
Coding change: c.1183+5G>C on transcript NM_001276270.2 (MANE Select); 5 bases into the intron after coding-DNA position 1183, G replaced by C.
Molecular consequence: intron variant. On other transcripts: missense variant (3).
Genome position (GRCh38, 1-based): chr3:129,436,456, C>G on the plus strand (G>C on the coding strand, the complement: MBD4 is on the minus strand). VCF-style: chr3-129436456-C-G. GRCh37 (hg19) VCF-style: chr3-129155299-C-G.
Other names: c.1188G>C, p.Glu396Asp (NM_001276271.2, NM_001276272.2, NM_003925.3); c.247+1352G>C (NM_001276273.2); short protein forms E396D.
Identifiers: ClinVar variation 3679013 (VCV003679013.3).
Genomic context (GRCh38, chr3:129,436,456, plus strand): 5'-AATTTCTCATCACATAATGTTTAATAGTGCTTGAAAGCACTGGATACCTTGAAATATTTT[C>G]TCACCAGTGAAGTCTTTCCTGGTTGGTGAGCAGTTGTTGTCCATTTCAGAGCCACGTTTT-3'

ClinVar aggregate classification (germline): Uncertain significance. Review status: criteria provided, multiple submitters, no conflicts (2 of 4 stars). 2 submissions from 2 submitters: Uncertain significance (2). Last evaluated 2025-12-18.

Conditions:
Inborn genetic diseases. Identifiers: MedGen C0950123, MeSH D030342.

gnomAD v4.1: 6 of 1,613,900 alleles (0.00037%); highest among the groups gnomAD compares: East Asian, 0.013%; no homozygotes.

Submissions (2):

Labcorp Genetics (formerly Invitae), Labcorp
Classification: Uncertain significance. Last evaluated: 2025-12-18. Review status: criteria provided, single submitter. Criteria: Invitae Variant Classification Sherloc (09022015). Collection method: clinical testing. Allele origin: germline.
Comment: This sequence change replaces glutamic acid, which is acidic and polar, with aspartic acid, which is acidic and polar, at codon 396 of the MBD4 protein (p.Glu396Asp). This variant is present in population databases (rs781073235, gnomAD 0.02%). This variant has not been reported in the literature in individuals affected with MBD4-related conditions. ClinVar contains an entry for this variant (Variation ID: 3679013). An algorithm developed to predict the effect of missense changes on protein structure and function (PolyPhen-2) suggests that this variant is likely to be tolerated. In summary, the available evidence is currently insufficient to determine the role of this variant in disease. Therefore, it has been classified as a Variant of Uncertain Significance.

Ambry Genetics
Classification: Uncertain significance for Inborn genetic diseases. Last evaluated: 2025-06-16. Review status: criteria provided, single submitter. Criteria: Ambry Variant Classification Scheme 2023. Collection method: clinical testing. Allele origin: germline.
Comment: The c.1183+5G>C intronic variant results from a G to C substitution 5 nucleotides after coding exon 3 in the MBD4 gene. This nucleotide position is not well conserved in available vertebrate species. In silico splice site analysis predicts that this alteration will weaken the native splice donor site and may result in the creation or strengthening of a novel splice donor site. Based on the available evidence, the clinical significance of this variant remains unclear.